The following is an entry in ClinVar:

ClinVar aggregate classification (germline): Uncertain significance. Review status: criteria provided, multiple submitters, no conflicts (2 of 4 stars). 5 submissions from 4 submitters: Uncertain significance (5). Last evaluated 2024-10-28.

Conditions:
Inborn genetic diseases. Identifiers: MedGen C0950123, MeSH D030342.
Neu-Laxova syndrome 1 (NLS1). Identifiers: Orphanet 2671, Orphanet 583607, MedGen C4551478, MONDO:0009736, OMIM 256520. Disease mechanism: loss of function.
PHGDH deficiency. Identifiers: Orphanet 79351, MedGen C1866174, MONDO:0011152, OMIM 601815.

Allele frequency attached by ClinVar (database versions not stated): ExAC 0.00002; gnomAD exomes 0.00004 and 0.00005; gnomAD 0.00007 and 0.00008; TOPMed 0.00010; ESP Exome Variant Server 0.00015.
gnomAD v4.1: 87 of 1,613,986 alleles (0.0054%); highest among the groups gnomAD compares: African/African-American, 0.013%; no homozygotes.

Submissions (5):

Labcorp Genetics (formerly Invitae), Labcorp
Classification: Uncertain significance for PHGDH deficiency. Last evaluated: 2024-10-28. Review status: criteria provided, single submitter. Criteria: Invitae Variant Classification Sherloc (09022015). Collection method: clinical testing. Allele origin: germline.
Comment: This sequence change replaces alanine, which is neutral and non-polar, with threonine, which is neutral and polar, at codon 61 of the PHGDH protein (p.Ala61Thr). This variant is present in population databases (rs140185619, gnomAD 0.02%). This variant has not been reported in the literature in individuals affected with PHGDH-related conditions. ClinVar contains an entry for this variant (Variation ID: 1163152). Invitae Evidence Modeling of protein sequence and biophysical properties (such as structural, functional, and spatial information, amino acid conservation, physicochemical variation, residue mobility, and thermodynamic stability) has been performed for this missense variant. However, the output from this modeling did not meet the statistical confidence thresholds required to predict the impact of this variant on PHGDH protein function. In summary, the available evidence is currently insufficient to determine the role of this variant in disease. Therefore, it has been classified as a Variant of Uncertain Significance.

Ambry Genetics
Classification: Uncertain significance for Inborn genetic diseases. Last evaluated: 2023-08-23. Review status: criteria provided, single submitter. Criteria: Ambry Variant Classification Scheme 2023. Collection method: clinical testing. Allele origin: germline.

Genome-Nilou Lab
Classification: Uncertain significance for Neu-Laxova syndrome 1. Last evaluated: 2023-04-11. Review status: criteria provided, single submitter. Criteria: ACMG Guidelines, 2015. Collection method: clinical testing. Allele origin: germline. Affected: no.

Genome-Nilou Lab
Classification: Uncertain significance for PHGDH deficiency. Last evaluated: 2023-04-11. Review status: criteria provided, single submitter. Criteria: ACMG Guidelines, 2015. Collection method: clinical testing. Allele origin: germline. Affected: no.

Mayo Clinic Laboratories, Mayo Clinic
Classification: Uncertain significance. Last evaluated: 2020-06-23. Review status: criteria provided, single submitter. Criteria: ACMG Guidelines, 2015. Collection method: clinical testing. Allele origin: germline. Observed: 1 variant allele.

NM_006623.4(PHGDH):c.181G>A (p.Ala61Thr)

Gene: PHGDH (phosphoglycerate dehydrogenase; plus strand). Cytogenetic location: 1p12.
Variant type: single nucleotide variant.
Coding change: c.181G>A on transcript NM_006623.4 (MANE Select); coding-DNA position 181, G replaced by A.
Protein change: p.Ala61Thr; replaces alanine 61 with threonine.
Molecular consequence: missense variant.
Genome position (GRCh38, 1-based): chr1:119,721,212, G>A. VCF-style: chr1-119721212-G-A. GRCh37 (hg19) VCF-style: chr1-120263835-G-A.
Other names: short protein forms A61T.
Identifiers: ClinVar variation 1163152 (VCV001163152.10), dbSNP rs140185619, ClinGen allele CA1036964.
Genomic context (GRCh38, chr1:119,721,212, plus strand): 5'-ATGTTTTTTCTGCTTCAGGACTGTGAAGGCCTTATTGTTCGCTCTGCCACCAAGGTGACC[G>A]CTGATGTCATCAACGCAGCTGAGAAACTCCAGGTGGTGGGCAGGGCTGGCACAGGTGTGG-3'
Protein context (NP_006614.2, residues 51-71): LIVRSATKVT[Ala61Thr]DVINAAEKLQ